The following is an entry in ClinVar:

NM_000264.5(PTCH1):c.2000A>C (p.Glu667Ala)

Genes: PTCH1 (patched 1; minus strand), LOC100507346 (uncharacterized LOC100507346; plus strand). Cytogenetic location: 9q22.32.
Variant type: single nucleotide variant.
Coding change: c.2000A>C on transcript NM_000264.5 (MANE Select); coding-DNA position 2000, A replaced by C.
Protein change: p.Glu667Ala; replaces glutamic acid 667 with alanine.
Molecular consequence: missense variant. On other transcripts: non-coding transcript variant (2).
Genome position (GRCh38, 1-based): chr9:95,469,001, T>G on the plus strand (A>C on the coding strand, the complement: PTCH1 is on the minus strand). VCF-style: chr9-95469001-T-G. GRCh37 (hg19) VCF-style: chr9-98231283-T-G.
Other names: c.1547A>C, p.Glu516Ala (NM_001083605.3, NM_001083606.3, NM_001083607.3 and 1 more transcripts); c.1844A>C, p.Glu615Ala (NM_001354918.2); c.2000A>C (NM_000264.3); c.1802A>C, p.Glu601Ala (NM_001083602.3); c.1997A>C, p.Glu666Ala (NM_001083603.3); short protein forms E615A, E516A, E666A, E601A, E667A.
Identifiers: ClinVar variation 1443262 (VCV001443262.7), dbSNP rs2118046932, ClinGen allele CA374115872.

ClinVar aggregate classification (germline): Uncertain significance. Review status: criteria provided, multiple submitters, no conflicts (2 of 4 stars). 2 submissions from 2 submitters: Uncertain significance (2). Last evaluated 2025-04-01.

Conditions:
Hereditary cancer-predisposing syndrome. Also called: Tumor predisposition; Hereditary neoplastic syndrome; Hereditary Cancer Syndrome; Neoplastic Syndromes, Hereditary. Identifiers: Orphanet 140162, MedGen C0027672, MeSH D009386, MONDO:0015356.
Gorlin syndrome. Also called: Basal cell nevus syndrome; Nevoid Basal Cell Carcinoma Syndrome. Identifiers: Orphanet 377, MedGen C0004779, MONDO:0007187.

Submissions (2):

Ambry Genetics
Classification: Uncertain significance for Hereditary cancer-predisposing syndrome. Last evaluated: 2025-04-01. Review status: criteria provided, single submitter. Criteria: Ambry Variant Classification Scheme 2023. Collection method: clinical testing. Allele origin: germline.
Comment: The p.E667A variant (also known as c.2000A>C), located in coding exon 14 of the PTCH1 gene, results from an A to C substitution at nucleotide position 2000. The glutamic acid at codon 667 is replaced by alanine, an amino acid with dissimilar properties. This amino acid position is highly conserved in available vertebrate species. In addition, this alteration is predicted to be deleterious by in silico analysis. Based on the available evidence, the clinical significance of this variant remains unclear.

Labcorp Genetics (formerly Invitae), Labcorp
Classification: Uncertain significance for Gorlin syndrome. Last evaluated: 2021-09-24. Review status: criteria provided, single submitter. Criteria: Invitae Variant Classification Sherloc (09022015). Collection method: clinical testing. Allele origin: germline.
Comment: This sequence change replaces glutamic acid with alanine at codon 667 of the PTCH1 protein (p.Glu667Ala). The glutamic acid residue is moderately conserved and there is a moderate physicochemical difference between glutamic acid and alanine. This variant is not present in population databases (ExAC no frequency). This variant has not been reported in the literature in individuals affected with PTCH1-related conditions. Advanced modeling of protein sequence and biophysical properties (such as structural, functional, and spatial information, amino acid conservation, physicochemical variation, residue mobility, and thermodynamic stability) performed at Invitae indicates that this missense variant is not expected to disrupt PTCH1 protein function. In summary, the available evidence is currently insufficient to determine the role of this variant in disease. Therefore, it has been classified as a Variant of Uncertain Significance.